The following is an entry in ClinVar:

ClinVar aggregate classification (germline): Uncertain significance (1 of 4 stars; one submission).

Conditions:
Progressive sclerosing poliodystrophy (MTDPS4A). Also called: Alpers-Huttenlocher Syndrome (AHS); Alpers Syndrome; ALPERS PROGRESSIVE INFANTILE POLIODYSTROPHY; Mitochondrial DNA depletion syndrome 4A (Alpers type); ALPERS DIFFUSE DEGENERATION OF CEREBRAL GRAY MATTER WITH HEPATIC CIRRHOSIS; Alpers-Huttenlocher Syndrome. Identifiers: Orphanet 726, MedGen C0205710, MONDO:0008758, OMIM 203700.

Allele frequency attached by ClinVar (database versions not stated): gnomAD exomes below 0.00001.

Submission:

Labcorp Genetics (formerly Invitae), Labcorp
Classification: Uncertain significance for Progressive sclerosing poliodystrophy. Last evaluated: 2022-05-27. Review status: criteria provided, single submitter. Criteria: Invitae Variant Classification Sherloc (09022015). Collection method: clinical testing. Allele origin: germline.
Comment: This sequence change falls in intron 3 of the POLG gene. It does not directly change the encoded amino acid sequence of the POLG protein. It affects a nucleotide within the consensus splice site. This variant is not present in population databases (gnomAD no frequency). This variant has not been reported in the literature in individuals affected with POLG-related conditions. ClinVar contains an entry for this variant (Variation ID: 639971). Variants that disrupt the consensus splice site are a relatively common cause of aberrant splicing (PMID: 17576681, 9536098). Algorithms developed to predict the effect of sequence changes on RNA splicing suggest that this variant is not likely to affect RNA splicing. In summary, the available evidence is currently insufficient to determine the role of this variant in disease. Therefore, it has been classified as a Variant of Uncertain Significance.

Literature cited by the submitters: PubMed 17576681; PubMed 9536098.

NM_002693.3(POLG):c.855+4A>G

Gene: POLG (DNA polymerase gamma, catalytic subunit; minus strand). Cytogenetic location: 15q26.1.
Variant type: single nucleotide variant.
Coding change: c.855+4A>G on transcript NM_002693.3 (MANE Select); 4 bases into the intron after coding-DNA position 855, A replaced by G.
Molecular consequence: intron variant.
Genome position (GRCh38, 1-based): chr15:89,330,077, T>C on the plus strand (A>G on the coding strand, the complement: POLG is on the minus strand). VCF-style: chr15-89330077-T-C. GRCh37 (hg19) VCF-style: chr15-89873308-T-C.
Other names: c.855+4A>G (NM_001126131.2).
Identifiers: ClinVar variation 639971 (VCV000639971.4), dbSNP rs1596360240, ClinGen allele CA915946107.